The following is an entry in ClinVar:

ClinVar aggregate classification (germline): Uncertain significance (1 of 4 stars; one submission).

Conditions:
Hereditary spastic paraplegia 74. Also called: Spastic paraplegia 74, autosomal recessive. Identifiers: Orphanet 468661, MedGen C5568837, MONDO:0014644, OMIM 616451.
Multiple mitochondrial dysfunctions syndrome 3 (MMDS3). Identifiers: Orphanet 363424, MedGen C3809165, MONDO:0014132, OMIM 615330.

Allele frequency attached by ClinVar (database versions not stated): TOPMed below 0.00001; gnomAD exomes 0.00002; ExAC 0.00003.
gnomAD v4.1: 9 of 1,612,974 alleles (0.00056%); highest among the groups gnomAD compares: Admixed American, 0.0033%; no homozygotes.

Submission:

Labcorp Genetics (formerly Invitae), Labcorp
Classification: Uncertain significance for Multiple mitochondrial dysfunctions syndrome 3; Hereditary spastic paraplegia 74. Last evaluated: 2022-10-24. Review status: criteria provided, single submitter. Criteria: Invitae Variant Classification Sherloc (09022015). Collection method: clinical testing. Allele origin: germline.
Comment: This sequence change replaces proline, which is neutral and non-polar, with leucine, which is neutral and non-polar, at codon 289 of the IBA57 protein (p.Pro289Leu). In summary, the available evidence is currently insufficient to determine the role of this variant in disease. Therefore, it has been classified as a Variant of Uncertain Significance. Algorithms developed to predict the effect of missense changes on protein structure and function (SIFT, PolyPhen-2, Align-GVGD) all suggest that this variant is likely to be tolerated. ClinVar contains an entry for this variant (Variation ID: 1348592). This variant has not been reported in the literature in individuals affected with IBA57-related conditions. This variant is present in population databases (rs770987687, gnomAD 0.006%).

NM_001010867.4(IBA57):c.866C>T (p.Pro289Leu)

Gene: IBA57 (iron-sulfur cluster assembly factor IBA57; plus strand). Cytogenetic location: 1q42.13.
Variant type: single nucleotide variant.
Coding change: c.866C>T on transcript NM_001010867.4 (MANE Select); coding-DNA position 866, C replaced by T.
Protein change: p.Pro289Leu; replaces proline 289 with leucine.
Molecular consequence: missense variant.
Genome position (GRCh38, 1-based): chr1:228,175,308, C>T. VCF-style: chr1-228175308-C-T. GRCh37 (hg19) VCF-style: chr1-228363009-C-T.
Other names: c.287C>T, p.Pro96Leu (NM_001310327.2); short protein forms P289L, P96L.
Identifiers: ClinVar variation 1348592 (VCV001348592.6), dbSNP rs770987687, ClinGen allele CA1431276.